The following is an entry in ClinVar:

ClinVar aggregate classification (germline): Likely benign. Review status: criteria provided, multiple submitters, no conflicts (2 of 4 stars). 4 submissions from 4 submitters: Likely benign (3). 1 of the submissions does not count toward it. Last evaluated 2026-07-01.

Conditions:
CHD1-related disorder. Also called: CHD1-related condition.
Complex neurodevelopmental disorder. Identifiers: Orphanet 528084, MedGen C5568766, MONDO:0100038.

Allele frequency attached by ClinVar (database versions not stated): 1000 Genomes Project 0.00060; 1000 Genomes Project 30x 0.00062; TOPMed 0.00179; gnomAD exomes 0.00183; ESP Exome Variant Server 0.00192; ExAC 0.00206; gnomAD 0.00203.
gnomAD v4.1: 2,982 of 1,612,952 alleles (0.18%); highest among the groups gnomAD compares: Middle Eastern, 0.63%; 8 homozygotes.

Submissions (4):

CeGaT Center for Human Genetics Tuebingen
Classification: Likely benign. Last evaluated: 2026-07-01. Review status: criteria provided, single submitter. Criteria: CeGaT Center For Human Genetics Tuebingen Variant Classification Criteria Version 2. Collection method: clinical testing. Allele origin: germline. Affected: yes. Observed: 34 variant alleles.
Comment: CHD1: BS1

Blueprint Genetics
Classification: Likely benign. Last evaluated: 2024-11-25. Review status: criteria provided, single submitter. Criteria: ACMG Guidelines, 2015. Collection method: clinical testing. Allele origin: germline.

Department of Pathology and Laboratory Medicine, Sinai Health System
Classification: Likely benign for complex neurodevelopmental disorder. Last evaluated: 2022-12-21. Review status: criteria provided, single submitter. Criteria: ACMG Guidelines, 2015. Collection method: research. Allele origin: germline.

PreventionGenetics, part of Exact Sciences
Classification: Likely benign for CHD1-related condition. Last evaluated: 2020-10-02. Review status: no assertion criteria provided. Collection method: clinical testing. Allele origin: germline. Not counted in ClinVar's aggregate classification.
Comment: This variant is classified as likely benign based on ACMG/AMP sequence variant interpretation guidelines (Richards et al. 2015 PMID: 25741868, with internal and published modifications).

NM_001270.4(CHD1):c.4681C>T (p.His1561Tyr)

Gene: CHD1 (chromodomain helicase DNA binding protein 1; minus strand). Cytogenetic location: 5q15.
Variant type: single nucleotide variant.
Coding change: c.4681C>T on transcript NM_001270.4 (MANE Select); coding-DNA position 4681, C replaced by T.
Protein change: p.His1561Tyr; replaces histidine 1561 with tyrosine.
Molecular consequence: missense variant. On other transcripts: non-coding transcript variant (2).
Genome position (GRCh38, 1-based): chr5:98,858,286, G>A on the plus strand (C>T on the coding strand, the complement: CHD1 is on the minus strand). VCF-style: chr5-98858286-G-A. GRCh37 (hg19) VCF-style: chr5-98193990-G-A.
Other names: c.4945C>T, p.His1649Tyr (NM_001364113.3); c.4681C>T, p.His1561Tyr (NM_001376194.2); c.4681C>T (NM_001270.2); short protein forms H1561Y, H1649Y.
Identifiers: ClinVar variation 2655607 (VCV002655607.27), dbSNP rs138351327, ClinGen allele CA3355590.